The following is an entry in ClinVar:

NM_003052.5(SLC34A1):c.1417-8C>G

Gene: SLC34A1 (solute carrier family 34 member 1; plus strand). Cytogenetic location: 5q35.3.
Variant type: single nucleotide variant.
Coding change: c.1417-8C>G on transcript NM_003052.5 (MANE Select); 8 bases into the intron before coding-DNA position 1417, C replaced by G.
Molecular consequence: intron variant.
Genome position (GRCh38, 1-based): chr5:177,397,775, C>G. VCF-style: chr5-177397775-C-G. GRCh37 (hg19) VCF-style: chr5-176824776-C-G.
Identifiers: ClinVar variation 3381560 (VCV003381560.1).

ClinVar aggregate classification (germline): Uncertain significance (1 of 4 stars; one submission).

Submission:

GeneDx
Classification: Uncertain significance. Last evaluated: 2024-05-20. Review status: criteria provided, single submitter. Criteria: GeneDx Variant Classification Process June 2021. Collection method: clinical testing. Allele origin: germline. Affected: yes.
Comment: Not observed at significant frequency in large population cohorts (gnomAD); In silico analysis suggests this variant may impact gene splicing. In the absence of RNA/functional studies, the actual effect of this sequence change is unknown.; Has not been previously published as pathogenic or benign to our knowledge